The following is an entry in ClinVar:

NM_016169.4(SUFU):c.1382A>G (p.Glu461Gly)

Gene: SUFU (SUFU negative regulator of hedgehog signaling; plus strand). Cytogenetic location: 10q24.32.
Variant type: single nucleotide variant.
Coding change: c.1382A>G on transcript NM_016169.4 (MANE Select); coding-DNA position 1382, A replaced by G.
Protein change: p.Glu461Gly; replaces glutamic acid 461 with glycine.
Molecular consequence: missense variant.
Genome position (GRCh38, 1-based): chr10:102,630,082, A>G. VCF-style: chr10-102630082-A-G. GRCh37 (hg19) VCF-style: chr10-104389839-A-G.
Other names: short protein forms E461G.
Identifiers: ClinVar variation 3802874 (VCV003802874.2).

ClinVar aggregate classification (germline): Uncertain significance. Review status: criteria provided, multiple submitters, no conflicts (2 of 4 stars). 2 submissions from 2 submitters: Uncertain significance (2). Last evaluated 2025-03-02.

Conditions:
Gorlin syndrome. Also called: Nevoid Basal Cell Carcinoma Syndrome; Basal cell nevus syndrome. Identifiers: Orphanet 377, MedGen C0004779, MONDO:0007187.
Medulloblastoma (MDB). Also called: Medulloblastoma, somatic; MEDULLOBLASTOMA PREDISPOSITION SYNDROME. Identifiers: Orphanet 616, MedGen C0025149, MeSH D008527, MONDO:0007959, OMIM 155255, HP:0002885.
Hereditary cancer-predisposing syndrome. Also called: Hereditary Cancer Syndrome; Hereditary neoplastic syndrome; Tumor predisposition; Neoplastic Syndromes, Hereditary. Identifiers: Orphanet 140162, MedGen C0027672, MeSH D009386, MONDO:0015356.

Submissions (2):

Ambry Genetics
Classification: Uncertain significance for Hereditary cancer-predisposing syndrome. Last evaluated: 2025-03-02. Review status: criteria provided, single submitter. Criteria: Ambry Variant Classification Scheme 2023. Collection method: clinical testing. Allele origin: germline.
Comment: The p.E461G variant (also known as c.1382A>G), located in coding exon 12 of the SUFU gene, results from an A to G substitution at nucleotide position 1382. The glutamic acid at codon 461 is replaced by glycine, an amino acid with similar properties. This amino acid position is conserved. In addition, this alteration is predicted to be tolerated by in silico analysis. Based on the available evidence, the clinical significance of this variant remains unclear.

Labcorp Genetics (formerly Invitae), Labcorp
Classification: Uncertain significance for Gorlin syndrome; Medulloblastoma. Last evaluated: 2025-02-05. Review status: criteria provided, single submitter. Criteria: Invitae Variant Classification Sherloc (09022015). Collection method: clinical testing. Allele origin: germline.
Comment: This sequence change replaces glutamic acid, which is acidic and polar, with glycine, which is neutral and non-polar, at codon 461 of the SUFU protein (p.Glu461Gly). This variant is not present in population databases (gnomAD no frequency). This variant has not been reported in the literature in individuals affected with SUFU-related conditions. Invitae Evidence Modeling of protein sequence and biophysical properties (such as structural, functional, and spatial information, amino acid conservation, physicochemical variation, residue mobility, and thermodynamic stability) indicates that this missense variant is not expected to disrupt SUFU protein function with a negative predictive value of 80%. In summary, the available evidence is currently insufficient to determine the role of this variant in disease. Therefore, it has been classified as a Variant of Uncertain Significance.